The following is an entry in ClinVar:

ClinVar aggregate classification (germline): Uncertain significance (1 of 4 stars; one submission).

Conditions:
TMEM165-congenital disorder of glycosylation. Also called: CDG IIk; TMEM165-CDG; Congenital disorder of glycosylation type 2k. Identifiers: Orphanet 314667, MedGen C3553571, MONDO:0013870, OMIM 614727.

Submission:

Labcorp Genetics (formerly Invitae), Labcorp
Classification: Uncertain significance for TMEM165-congenital disorder of glycosylation. Last evaluated: 2025-06-16. Review status: criteria provided, single submitter. Criteria: Invitae Variant Classification Sherloc (09022015). Collection method: clinical testing. Allele origin: germline.
Comment: This sequence change replaces proline, which is neutral and non-polar, with glutamine, which is neutral and polar, at codon 55 of the TMEM165 protein (p.Pro55Gln). This variant is not present in population databases (gnomAD no frequency). This variant has not been reported in the literature in individuals affected with TMEM165-related conditions. ClinVar contains an entry for this variant (Variation ID: 1060970). An algorithm developed to predict the effect of missense changes on protein structure and function outputs the following: PolyPhen-2: "Benign". The glutamine amino acid residue is found in multiple mammalian species, which suggests that this missense change does not adversely affect protein function. In summary, the available evidence is currently insufficient to determine the role of this variant in disease. Therefore, it has been classified as a Variant of Uncertain Significance.

NM_018475.5(TMEM165):c.164C>A (p.Pro55Gln)

Genes: TMEM165 (transmembrane protein 165; plus strand), LOC129992613 (ATAC-STARR-seq lymphoblastoid silent region 15439; plus strand). Cytogenetic location: 4q12.
Variant type: single nucleotide variant.
Coding change: c.164C>A on transcript NM_018475.5 (MANE Select); coding-DNA position 164, C replaced by A.
Protein change: p.Pro55Gln; replaces proline 55 with glutamine.
Molecular consequence: missense variant. On other transcripts: non-coding transcript variant (1).
Genome position (GRCh38, 1-based): chr4:55,396,353, C>A. VCF-style: chr4-55396353-C-A. GRCh37 (hg19) VCF-style: chr4-56262520-C-A.
Other names: short protein forms P55Q.
Identifiers: ClinVar variation 1060970 (VCV001060970.9), dbSNP rs1436584785, ClinGen allele CA356958920.
Genomic context (GRCh38, chr4:55,396,353, plus strand): 5'-CAGATGAAGACCTTAGCCACCGGAACAAAGAACCGCCGGCGCCGGCCCAGCAGCTGCAGC[C>A]GCAGCCTGTGGCTGTGCAGGGCCCCGAGCCGGCCCGGGTCGAGGTGAGCGGGCCGGGATG-3'
Protein context (NP_060945.2, residues 45-65): EPPAPAQQLQ[Pro55Gln]QPVAVQGPEP